The following is an entry in ClinVar:

ClinVar aggregate classification (germline): Likely benign. Review status: criteria provided, multiple submitters, no conflicts (2 of 4 stars). 4 submissions from 4 submitters: Likely benign (4). Last evaluated 2026-08-21.

Conditions:
KIF1A-related disorder. Also called: KIF1A-related disorders; KIF1A-related condition.
Hereditary spastic paraplegia 30. Identifiers: Orphanet 101010, MedGen C5235139, MONDO:0012476.
Intellectual disability, autosomal dominant 9 (NESCAVS). Also called: NESCAV SYNDROME; KIF1A-Related Neurodevelopmental Disorder. Identifiers: Orphanet 662367, MedGen C5393830, MONDO:0013656, OMIM 614255.
Neuropathy, hereditary sensory, type 2C. Also called: Hereditary sensory and autonomic neuropathy type IIC; KIF1A-Related HSAN2 (HSAN2C). Identifiers: Orphanet 970, MedGen C3280168, MONDO:0013634, OMIM 614213.

Allele frequency attached by ClinVar (database versions not stated): gnomAD 0.00002 and 0.00003; TOPMed 0.00003; ExAC 0.00004; gnomAD exomes 0.00009.

Submissions (4):

PreventionGenetics, part of Exact Sciences
Classification: Likely benign for KIF1A-related condition. Last evaluated: 2026-08-21. Review status: criteria provided, single submitter. Criteria: ACMG Guidelines, 2015. Collection method: clinical testing. Allele origin: germline.
Comment: This variant is classified as likely benign based on ACMG/AMP sequence variant interpretation guidelines (Richards et al. 2015 PMID: 25741868, with internal and published modifications).

Women's Health and Genetics/Laboratory Corporation of America, LabCorp
Classification: Likely benign. Last evaluated: 2026-03-04. Review status: criteria provided, single submitter. Criteria: LabCorp Variant Classification Summary - May 2015. Collection method: clinical testing. Allele origin: germline.

Labcorp Genetics (formerly Invitae), Labcorp
Classification: Likely benign for Hereditary spastic paraplegia 30; Neuropathy, hereditary sensory, type 2C; Intellectual disability, autosomal dominant 9. Last evaluated: 2025-12-06. Review status: criteria provided, single submitter. Criteria: Invitae Variant Classification Sherloc (09022015). Collection method: clinical testing. Allele origin: germline.

ARUP Laboratories, Molecular Genetics and Genomics, ARUP Laboratories
Classification: Likely benign. Last evaluated: 2023-11-07. Review status: criteria provided, single submitter. Criteria: ARUP Molecular Germline Variant Investigation Process 2024. Collection method: clinical testing. Allele origin: germline.

NM_001244008.2(KIF1A):c.1577+7G>A

Gene: KIF1A (kinesin family member 1A; minus strand). Cytogenetic location: 2q37.3.
Variant type: single nucleotide variant.
Coding change: c.1577+7G>A on transcript NM_001244008.2 (MANE Select); 7 bases into the intron after coding-DNA position 1577, G replaced by A.
Molecular consequence: intron variant.
Genome position (GRCh38, 1-based): chr2:240,767,259, C>T on the plus strand (G>A on the coding strand, the complement: KIF1A is on the minus strand). VCF-style: chr2-240767259-C-T. GRCh37 (hg19) VCF-style: chr2-241706676-C-T.
Other names: c.1550+7G>A (NM_001379653.1, NM_001379650.1, NM_001379645.1 and 10 more transcripts); c.1652+7G>A (NM_001379635.1, NM_001330290.2, NM_001379646.1 and 2 more transcripts); c.1625+7G>A (NM_001379637.1, NM_001379648.1); c.1577+7G>A (NM_001320705.2, NM_001379638.1, NM_001330289.2 and 1 more transcripts).
Identifiers: ClinVar variation 771667 (VCV000771667.14), dbSNP rs781749303, ClinGen allele CA2208359.